The following is an entry in ClinVar:

NM_000388.4(CASR):c.372C>A (p.Asn124Lys)

Gene: CASR (calcium sensing receptor; plus strand). Cytogenetic location: 3q21.1.
Variant type: single nucleotide variant.
Coding change: c.372C>A on transcript NM_000388.4 (MANE Select); coding-DNA position 372, C replaced by A.
Protein change: p.Asn124Lys; replaces asparagine 124 with lysine.
Molecular consequence: missense variant.
Genome position (GRCh38, 1-based): chr3:122,257,267, C>A. VCF-style: chr3-122257267-C-A. GRCh37 (hg19) VCF-style: chr3-121976114-C-A.
Other names: c.372C>A, p.Asn124Lys (NM_001178065.2); short protein forms N124K.
Identifiers: ClinVar variation 1478551 (VCV001478551.9), dbSNP rs757571398, ClinGen allele CA354362758.
Genomic context (GRCh38, chr3:122,257,267, plus strand): 5'-TTCTAAGGCCTTGGAAGCCACCCTGAGTTTTGTTGCTCAAAACAAAATTGATTCTTTGAA[C>A]CTTGATGAGTTCTGCAACTGCTCAGAGCACATTCCCTCTACGATTGCTGTGGTGGGAGCA-3'
Protein context (NP_000379.3, residues 114-134): FVAQNKIDSL[Asn124Lys]LDEFCNCSEH

ClinVar aggregate classification (germline): Conflicting classifications of pathogenicity. Review status: criteria provided, conflicting classifications (1 of 4 stars). 4 submissions from 4 submitters: Likely pathogenic (2); Uncertain significance (2). Last evaluated 2023-04-14.

Conditions:
CASR-related disorder. Also called: CASR-related condition.
Familial hypocalciuric hypercalcemia (FHH). Also called: Familial benign hypercalcemia. Identifiers: Orphanet 405, MedGen C1809471, MONDO:0018458.
Autosomal dominant hypocalcemia 1 (HYPOC1). Also called: HYPOCALCEMIA, FAMILIAL. Identifiers: MedGen C3715128, MONDO:0011013, OMIM 601198.

Allele frequency attached by ClinVar (database versions not stated): TOPMed below 0.00001.
gnomAD v4.1: 2 of 1,614,120 alleles (0.00012%); highest among the groups gnomAD compares: Non-Finnish European, 0.00017%; no homozygotes.

Submissions (4):

Blueprint Genetics
Classification: Likely pathogenic for CASR-related disorders. Last evaluated: 2023-04-14. Review status: criteria provided, single submitter. Criteria: ACMG Guidelines, 2015. Collection method: clinical testing. Allele origin: germline. Affected: yes. Observed: 1 variant allele.

Women's Health and Genetics/Laboratory Corporation of America, LabCorp
Classification: Uncertain significance. Last evaluated: 2022-04-15. Review status: criteria provided, single submitter. Criteria: LabCorp Variant Classification Summary - May 2015. Collection method: clinical testing. Allele origin: germline.
Comment: Variant summary: CASR c.372C>A (p.Asn124Lys) results in a non-conservative amino acid change located in the Receptor, ligand binding region domain (IPR001828) of the encoded protein sequence. Four of five in-silico tools predict a damaging effect of the variant on protein function. The variant was absent in 251394 control chromosomes. c.372C>A has been reported in the literature in at-least three individuals from two families affected with Autosomal Dominant Hypocalcemia (example, Hu_2002, Schouten_2011 cited by Gorvin_2019). These data indicate that the variant may be associated with disease. At least two publications report experimental evidence evaluating an impact on protein function, demonstrating a biochemical gain of function indicative of receptor activation and an increased endoplasmic reticulum (ER) to cytosolic calcium gradient, findings supportive of the mechanism of action and pathophysiology of disease (example, Hu_2002, Ranieri_2013). One clinical diagnostic laboratory has submitted clinical-significance assessments for this variant to ClinVar after 2014 and classified the variant as uncertain significance citing overlapping evidence utilized in the context of this evaluation. Based on the evidence outlined above, the variant was classified as VUS-possibly pathogenic.

Athena Diagnostics
Classification: Likely pathogenic. Last evaluated: 2022-03-25. Review status: criteria provided, single submitter. Criteria: Athena Diagnostics Criteria. Collection method: clinical testing. Allele origin: unknown.
Comment: This variant has not been reported in large, multi-ethnic general populations. This variant has been identified in at least one individual with clinical features associated with autosomal dominant hypocalcemia (PMID: 12162500, 21441391). Assessment of experimental evidence suggests this variant results in abnormal protein function. This variant showed increased sensitivity to extracellular calcium compared to wild-type (PMID: 12162500, 24244430). Computational tools predict that this variant is damaging.

Labcorp Genetics (formerly Invitae), Labcorp
Classification: Uncertain significance for Familial hypocalciuric hypercalcemia; Autosomal dominant hypocalcemia 1. Last evaluated: 2021-12-03. Review status: criteria provided, single submitter. Criteria: Invitae Variant Classification Sherloc (09022015). Collection method: clinical testing. Allele origin: germline.
Comment: This missense change has been observed in individual(s) with autosomal dominant hypocalcemia (PMID: 12162500, 21441391). In summary, the available evidence is currently insufficient to determine the role of this variant in disease. Therefore, it has been classified as a Variant of Uncertain Significance. Experimental studies have shown that this missense change affects CASR function (PMID: 12162500, 24244430). Algorithms developed to predict the effect of missense changes on protein structure and function (SIFT, PolyPhen-2, Align-GVGD) all suggest that this variant is likely to be disruptive. This variant is not present in population databases (gnomAD no frequency). This sequence change replaces asparagine, which is neutral and polar, with lysine, which is basic and polar, at codon 124 of the CASR protein (p.Asn124Lys).

Literature cited by the submitters: PubMed 12162500 (cited by 3 submitters); PubMed 31189130 (cited by Women's Health and Genetics/Laboratory Corporation of America, LabCorp); PubMed 24244430 (cited by 3 submitters); PubMed 21441391 (cited by 3 submitters); PubMed 25977473 (cited by Athena Diagnostics).